The following is an entry in ClinVar:

NM_022552.5(DNMT3A):c.177G>A (p.Pro59=)

Gene: DNMT3A (DNA methyltransferase 3 alpha; minus strand). Cytogenetic location: 2p23.3.
Variant type: single nucleotide variant.
Coding change: c.177G>A on transcript NM_022552.5 (MANE Select); coding-DNA position 177, G replaced by A.
Protein change: p.Pro59=; no amino-acid change (proline 59 retained).
Molecular consequence: synonymous variant. On other transcripts: non-coding transcript variant (1).
Genome position (GRCh38, 1-based): chr2:25,300,139, C>T on the plus strand (G>A on the coding strand, the complement: DNMT3A is on the minus strand). VCF-style: chr2-25300139-C-T. GRCh37 (hg19) VCF-style: chr2-25523008-C-T.
Other names: c.177G>A, p.Pro59= (NM_001320892.2, NM_175629.2, NM_175630.1).
Identifiers: ClinVar variation 3699548 (VCV003699548.2).

ClinVar aggregate classification (germline): Uncertain significance (1 of 4 stars; one submission).

Conditions:
Tatton-Brown-Rahman overgrowth syndrome. Also called: Tatton-Brown-Rahman syndrome; Tall stature-intellectual disability-facial dysmorphism syndrome. Identifiers: Orphanet 404443, MedGen C4014545, MONDO:0014382, OMIM 615879.

gnomAD v4.1: 2 of 1,612,964 alleles (0.00012%); highest among the groups gnomAD compares: Non-Finnish European, 0.00017%; no homozygotes.

Submission:

Labcorp Genetics (formerly Invitae), Labcorp
Classification: Uncertain significance for Tatton-Brown-Rahman overgrowth syndrome. Last evaluated: 2025-06-04. Review status: criteria provided, single submitter. Criteria: Invitae Variant Classification Sherloc (09022015). Collection method: clinical testing. Allele origin: germline.
Comment: This sequence change affects codon 59 of the DNMT3A mRNA. It is a 'silent' change, meaning that it does not change the encoded amino acid sequence of the DNMT3A protein. This variant also falls at the last nucleotide of exon 3, which is part of the consensus splice site for this exon. This variant is not present in population databases (gnomAD no frequency). This variant has not been reported in the literature in individuals affected with DNMT3A-related conditions. ClinVar contains an entry for this variant (Variation ID: 3699548). Variants that disrupt the consensus splice site are a relatively common cause of aberrant splicing (PMID: 17576681, 9536098). Algorithms developed to predict the effect of sequence changes on RNA splicing suggest that this variant may create or strengthen a splice site. In summary, the available evidence is currently insufficient to determine the role of this variant in disease. Therefore, it has been classified as a Variant of Uncertain Significance.

Literature cited by the submitters: PubMed 17576681; PubMed 9536098.